The following is an entry in ClinVar:

NM_018480.7(TMEM126B):c.284G>A (p.Arg95His)

Gene: TMEM126B (transmembrane protein 126B; plus strand). Cytogenetic location: 11q14.1.
Variant type: single nucleotide variant.
Coding change: c.284G>A on transcript NM_018480.7 (MANE Select); coding-DNA position 284, G replaced by A.
Protein change: p.Arg95His; replaces arginine 95 with histidine.
Molecular consequence: missense variant. On other transcripts: synonymous variant (1), non-coding transcript variant (2).
Genome position (GRCh38, 1-based): chr11:85,634,166, G>A. VCF-style: chr11-85634166-G-A. GRCh37 (hg19) VCF-style: chr11-85345210-G-A.
Other names: c.224G>A, p.Arg75His (NM_001193537.3, NM_001350395.2); c.194G>A, p.Arg65His (NM_001193538.3, NM_001256546.2, NM_001350396.2); c.146G>A, p.Arg49His (NM_001256547.2); c.162G>A, p.Thr54= (NM_001350393.1); c.284G>A, p.Arg95His (NM_001350394.2); c.284G>A (NM_018480.3); short protein forms R95H, R49H, R65H, R75H.
Identifiers: ClinVar variation 3709794 (VCV003709794.4).

ClinVar aggregate classification (germline): Conflicting classifications of pathogenicity. Review status: criteria provided, conflicting classifications (1 of 4 stars). 3 submissions from 3 submitters: Uncertain significance (1); Likely benign (2). Last evaluated 2025-07-18.

Conditions:
Inborn genetic diseases. Identifiers: MedGen C0950123, MeSH D030342.

gnomAD v4.1: 42 of 1,613,424 alleles (0.0026%); highest among the groups gnomAD compares: African/African-American, 0.016%; no homozygotes.

Submissions (3):

Ambry Genetics
Classification: Likely benign for Inborn genetic diseases. Last evaluated: 2025-07-18. Review status: criteria provided, single submitter. Criteria: Ambry Variant Classification Scheme 2023. Collection method: clinical testing. Allele origin: germline.

Labcorp Genetics (formerly Invitae), Labcorp
Classification: Uncertain significance. Last evaluated: 2024-01-25. Review status: criteria provided, single submitter. Criteria: Invitae Variant Classification Sherloc (09022015). Collection method: clinical testing. Allele origin: germline.
Comment: This sequence change replaces arginine, which is basic and polar, with histidine, which is basic and polar, at codon 95 of the TMEM126B protein (p.Arg95His). This variant is present in population databases (rs767053552, gnomAD 0.004%). This variant has not been reported in the literature in individuals affected with TMEM126B-related conditions. Algorithms developed to predict the effect of missense changes on protein structure and function output the following: SIFT: "Not Available"; PolyPhen-2: "Benign"; Align-GVGD: "Not Available". The histidine amino acid residue is found in multiple mammalian species, which suggests that this missense change does not adversely affect protein function. In summary, the available evidence is currently insufficient to determine the role of this variant in disease. Therefore, it has been classified as a Variant of Uncertain Significance.

Blueprint Genetics
Classification: Likely benign. Last evaluated: 2021-04-12. Review status: criteria provided, single submitter. Criteria: ACMG Guidelines, 2015. Collection method: clinical testing. Allele origin: germline.